The following is an entry in ClinVar:

ClinVar aggregate classification (germline): Pathogenic (1 of 4 stars; one submission).

Submission:

GeneDx
Classification: Pathogenic. Last evaluated: 2026-04-07. Review status: criteria provided, single submitter. Criteria: GeneDx Variant Classification Process June 2021. Collection method: clinical testing. Allele origin: germline.
Comment: Frameshift variant predicted to result in protein truncation or nonsense mediated decay in a gene for which loss of function is a known mechanism of disease; Located in the M-band, a region of TTN for which truncating variants are significantly associated with autosomal recessive skeletal myopathies and also with autosomal dominant cardiomyopathy (PMID: 17444505, 32778822, 36637017); Identified in patients with DCM referred for genetic testing at GeneDx and in published literature (PMID: 33019804, 33106378); Not observed at significant frequency in large population cohorts (gnomAD); This variant is associated with the following publications: (PMID: 30333491, 33019804, 33106378, 17444505, 32778822, 36637017)

NM_001267550.2(TTN):c.102800dup (p.Thr34268fs)

Genes: TTN (titin; minus strand), TTN-AS1 (TTN antisense RNA 1; plus strand). Cytogenetic location: 2q31.2.
Variant type: Duplication.
Coding change: c.102800dup on transcript NM_001267550.2 (MANE Select); coding-DNA position 102800, one base duplicated (A; older notation c.102800dupA).
Protein change: p.Thr34268fs; shifts the reading frame from threonine 34268.
Molecular consequence: frameshift variant.
Genome position (GRCh38, 1-based): chr2:178,533,815, T duplicated on the plus strand (A on the coding strand, the reverse complement: TTN is on the minus strand); the first of 2 consecutive T bases (chr2:178,533,815-178,533,816); duplicating either gives the same sequence. VCF-style (leftmost placement, unchanged base first): chr2-178533814-C-CT. GRCh37 (hg19) VCF-style: chr2-179398541-C-CT.
Other names: c.102800dup (NM_001267550.1); c.97877dup, p.Thr32627fs (NM_001256850.1); c.75605dup, p.Thr25203fs (NM_003319.4); c.95096dup, p.Thr31700fs (NM_133378.4); c.75980dup, p.Thr25328fs (NM_133432.3); c.76181dup, p.Thr25395fs (NM_133437.4); short protein forms T25203fs, T25328fs, T25395fs, T31700fs, T32627fs, T34268fs.
Identifiers: ClinVar variation 5016937 (VCV005016937.1).
Genomic context (GRCh38, chr2:178,533,814, plus strand): 5'-AGGCTCTGGGTGGACAGTTATAGTTACTCCAAACCGGACATTTTCACCTACATAAGCTGT[C>CT]TTATTATAGAGAGGCAGGGTAAATTCTGGTGGCCTTTCCAGGAGTCTCATTGTGTCTGTT-3'